The following is an entry in ClinVar:

NM_006204.4(PDE6C):c.427G>C (p.Val143Leu)

Gene: PDE6C (phosphodiesterase 6C; plus strand). Cytogenetic location: 10q23.33.
Variant type: single nucleotide variant.
Coding change: c.427G>C on transcript NM_006204.4 (MANE Select); coding-DNA position 427, G replaced by C.
Protein change: p.Val143Leu; replaces valine 143 with leucine.
Molecular consequence: missense variant.
Genome position (GRCh38, 1-based): chr10:93,613,152, G>C. VCF-style: chr10-93613152-G-C. GRCh37 (hg19) VCF-style: chr10-95372909-G-C.
Other names: short protein forms V143L.
Identifiers: ClinVar variation 1919544 (VCV001919544.3), dbSNP rs879202598, ClinGen allele CA377622825.

ClinVar aggregate classification (germline): Uncertain significance (1 of 4 stars; one submission).

Allele frequency attached by ClinVar (database versions not stated): gnomAD exomes below 0.00001; gnomAD 0.00001; TOPMed 0.00001.
gnomAD v4.1: 3 of 1,613,944 alleles (0.00019%); highest among the groups gnomAD compares: African/African-American, 0.0013%; no homozygotes.

Submission:

Labcorp Genetics (formerly Invitae), Labcorp
Classification: Uncertain significance. Last evaluated: 2025-03-03. Review status: criteria provided, single submitter. Criteria: Invitae Variant Classification Sherloc (09022015). Collection method: clinical testing. Allele origin: germline.
Comment: This sequence change replaces valine, which is neutral and non-polar, with leucine, which is neutral and non-polar, at codon 143 of the PDE6C protein (p.Val143Leu). This variant is present in population databases (no rsID available, gnomAD 0.01%). This variant has not been reported in the literature in individuals affected with PDE6C-related conditions. ClinVar contains an entry for this variant (Variation ID: 1919544). Invitae Evidence Modeling of protein sequence and biophysical properties (such as structural, functional, and spatial information, amino acid conservation, physicochemical variation, residue mobility, and thermodynamic stability) indicates that this missense variant is not expected to disrupt PDE6C protein function with a negative predictive value of 80%. In summary, the available evidence is currently insufficient to determine the role of this variant in disease. Therefore, it has been classified as a Variant of Uncertain Significance.